The following is an entry in ClinVar:

NM_000246.4(CIITA):c.1502_1511del (p.Phe501fs)

Gene: CIITA (class II major histocompatibility complex transactivator; plus strand). Cytogenetic location: 16p13.13.
Variant type: Deletion.
Coding change: c.1502_1511del on transcript NM_000246.4 (MANE Select); coding-DNA positions 1502 to 1511, 10 bases deleted (TCGAGGAGCT; older notation c.1502_1511delTCGAGGAGCT).
Protein change: p.Phe501fs; shifts the reading frame from phenylalanine 501.
Molecular consequence: frameshift variant. On other transcripts: intron variant (1).
Genome position (GRCh38, 1-based): chr16:10,906,994-10,907,003, TCGAGGAGCT deleted; deleting any 10 consecutive bases within chr16:10,906,991-10,907,003 gives the same sequence; the c. name uses the placement nearest the transcript's 3' end. VCF-style (leftmost placement, unchanged base first): chr16-10906990-GGCTTCGAGGA-G. GRCh37 (hg19) VCF-style: chr16-11000847-GGCTTCGAGGA-G.
Other names: c.1505_1514del, p.Phe502fs (NM_001286402.1, NM_001379332.1); c.1358_1367del, p.Phe453fs (NM_001379330.1); c.1355_1364del, p.Phe452fs (NM_001379331.1); c.1502_1511del, p.Phe501fs (NM_001379333.1); c.1433_1442del, p.Phe478fs (NM_001379334.1); c.860-1989_860-1980del (NM_001286403.2); short protein forms F502fs, F478fs, F501fs, F452fs, F453fs.
Identifiers: ClinVar variation 1459331 (VCV001459331.6), dbSNP rs2144710452, ClinGen allele CA2573151847.

ClinVar aggregate classification (germline): Pathogenic (1 of 4 stars; one submission).

Conditions:
MHC class II deficiency. Also called: BLS, TYPE II; Bare lymphocyte syndrome 2. Identifiers: Orphanet 572, MedGen C5447452, MONDO:0008855.

Submission:

Labcorp Genetics (formerly Invitae), Labcorp
Classification: Pathogenic for MHC class II deficiency. Last evaluated: 2021-09-14. Review status: criteria provided, single submitter. Criteria: Invitae Variant Classification Sherloc (09022015). Collection method: clinical testing. Allele origin: germline.
Comment: This sequence change creates a premature translational stop signal (p.Phe501Trpfs*54) in the CIITA gene. It is expected to result in an absent or disrupted protein product. Loss-of-function variants in CIITA are known to be pathogenic (PMID: 8402893, 9099848, 26271388). This variant is not present in population databases (ExAC no frequency). This variant has not been reported in the literature in individuals affected with CIITA-related conditions. For these reasons, this variant has been classified as Pathogenic.

Literature cited by the submitters: PubMed 8402893; PubMed 9099848; PubMed 26271388.